The following is an entry in ClinVar:

NM_033380.3(COL4A5):c.909T>C (p.Asp303=)

Gene: COL4A5 (collagen type IV alpha 5 chain; plus strand). Cytogenetic location: Xq22.3.
Variant type: single nucleotide variant.
Coding change: c.909T>C on transcript NM_033380.3 (MANE Select); coding-DNA position 909, T replaced by C.
Protein change: p.Asp303=; no amino-acid change (aspartic acid 303 retained).
Molecular consequence: synonymous variant.
Genome position (GRCh38, 1-based): chrX:108,581,000, T>C. VCF-style: chrX-108581000-T-C. GRCh37 (hg19) VCF-style: chrX-107824230-T-C.
Other names: p.Asp303=; c.909T>C, p.Asp303= (NM_000495.5).
Identifiers: ClinVar variation 504907 (VCV000504907.21), dbSNP rs144586397, ClinGen allele CA10488619.

ClinVar aggregate classification (germline): Benign/Likely benign. Review status: criteria provided, multiple submitters, no conflicts (2 of 4 stars). 8 submissions from 8 submitters: Benign (6); Likely benign (1). 1 of the submissions does not count toward it. Last evaluated 2026-01-26.

Conditions:
X-linked Alport syndrome (ATS1). Also called: COL4A5-Related Nephropathy; NEPHROPATHY AND DEAFNESS, X-LINKED. Identifiers: Orphanet 63, Orphanet 88917, MedGen C4746986, MONDO:0010520, OMIM 301050.

Allele frequency attached by ClinVar (database versions not stated): gnomAD exomes 0.00081 and 0.00379; gnomAD 0.00122 and 0.00126; 1000 Genomes Project 0.00132; 1000 Genomes Project 30x 0.00146; TOPMed 0.00229; ExAC 0.00281.
gnomAD v4.1: 1,017 of 1,207,337 alleles (0.084%); highest among the groups gnomAD compares: Admixed American, 2.1%; 17 homozygotes.

Submissions (8):

Labcorp Genetics (formerly Invitae), Labcorp
Classification: Benign. Last evaluated: 2026-01-26. Review status: criteria provided, single submitter. Criteria: Invitae Variant Classification Sherloc (09022015). Collection method: clinical testing. Allele origin: germline.

Mayo Clinic Laboratories, Mayo Clinic
Classification: Benign. Last evaluated: 2024-11-19. Review status: criteria provided, single submitter. Criteria: ACMG Guidelines, 2015. Collection method: clinical testing. Allele origin: germline. Observed: 3 variant alleles.
Comment: BS1, BS2, BP4, BP7

Blueprint Genetics
Classification: Likely benign. Last evaluated: 2024-10-29. Review status: criteria provided, single submitter. Criteria: ACMG Guidelines, 2015. Collection method: clinical testing. Allele origin: germline.

GeneDx
Classification: Benign. Last evaluated: 2019-12-05. Review status: criteria provided, single submitter. Criteria: GeneDx Variant Classification Process June 2021. Collection method: clinical testing. Allele origin: germline. Affected: yes.

Athena Diagnostics
Classification: Benign. Last evaluated: 2018-11-19. Review status: criteria provided, single submitter. Criteria: Athena Diagnostics Criteria. Collection method: clinical testing. Allele origin: germline.

Laboratory for Molecular Medicine, Mass General Brigham Personalized Medicine
Classification: Benign. Last evaluated: 2016-03-21. Review status: criteria provided, single submitter. Criteria: LMM Criteria. Collection method: clinical testing. Allele origin: germline. Observed: 3 variant alleles.
Comment: p.Asp303Asp in exon 16 of COL4A5: This variant is not expected to have clinical significance because it does not alter an amino acid residue, is not located wit hin the splice consensus sequence, and has been identified in 2.64% (245/9283) o f Latino chromosomes by the Exome Aggregation Consortium (ExAC; dbSNP rs144586397).

Breakthrough Genomics
Classification: Benign. Review status: criteria provided, single submitter. Criteria: ACMG Guidelines, 2015. Collection method: not provided. Allele origin: germline. Inheritance: X-linked inheritance. Affected: yes.

Natera, Inc.
Classification: Likely benign for X-linked Alport syndrome. Last evaluated: 2019-12-03. Review status: no assertion criteria provided. Collection method: clinical testing. Allele origin: germline. Not counted in ClinVar's aggregate classification.